The following is an entry in ClinVar:

NM_001191061.2(SLC25A22):c.875C>T (p.Ala292Val)

Gene: SLC25A22 (solute carrier family 25 member 22; minus strand). Cytogenetic location: 11p15.5.
Variant type: single nucleotide variant.
Coding change: c.875C>T on transcript NM_001191061.2 (MANE Select); coding-DNA position 875, C replaced by T.
Protein change: p.Ala292Val; replaces alanine 292 with valine.
Molecular consequence: missense variant.
Genome position (GRCh38, 1-based): chr11:792,012, G>A on the plus strand (C>T on the coding strand, the complement: SLC25A22 is on the minus strand). VCF-style: chr11-792012-G-A. GRCh37 (hg19) VCF-style: chr11-792012-G-A.
Other names: c.875C>T, p.Ala292Val (NM_001191060.2, NM_024698.6); short protein forms A292V.
Identifiers: ClinVar variation 643163 (VCV000643163.42), dbSNP rs183409730, ClinGen allele CA5789014.

ClinVar aggregate classification (germline): Uncertain significance. Review status: criteria provided, multiple submitters, no conflicts (2 of 4 stars). 2 submissions from 2 submitters: Uncertain significance (2). Last evaluated 2024-10-30.

Conditions:
Early-infantile DEE. Also called: Early infantile epileptic encephalopathy; Early infantile epileptic encephalopathy with suppression bursts; Ohtahara syndrome. Identifiers: Orphanet 1934, MedGen C0393706, MONDO:0800491.

Allele frequency attached by ClinVar (database versions not stated): ESP Exome Variant Server 0.00015; 1000 Genomes Project 30x 0.00016; 1000 Genomes Project 0.00020; ExAC 0.00001; gnomAD 0.00001 and 0.00002; TOPMed 0.00002; gnomAD exomes 0.00003.
gnomAD v4.1: 46 of 1,607,084 alleles (0.0029%); highest among the groups gnomAD compares: East Asian, 0.0067%; no homozygotes.

Submissions (2):

Labcorp Genetics (formerly Invitae), Labcorp
Classification: Uncertain significance for Early-infantile DEE. Last evaluated: 2024-10-30. Review status: criteria provided, single submitter. Criteria: Invitae Variant Classification Sherloc (09022015). Collection method: clinical testing. Allele origin: germline.
Comment: This sequence change replaces alanine, which is neutral and non-polar, with valine, which is neutral and non-polar, at codon 292 of the SLC25A22 protein (p.Ala292Val). This variant is present in population databases (rs183409730, gnomAD 0.0009%). This variant has not been reported in the literature in individuals affected with SLC25A22-related conditions. ClinVar contains an entry for this variant (Variation ID: 643163). Invitae Evidence Modeling of protein sequence and biophysical properties (such as structural, functional, and spatial information, amino acid conservation, physicochemical variation, residue mobility, and thermodynamic stability) indicates that this missense variant is not expected to disrupt SLC25A22 protein function with a negative predictive value of 80%. In summary, the available evidence is currently insufficient to determine the role of this variant in disease. Therefore, it has been classified as a Variant of Uncertain Significance.

CeGaT Center for Human Genetics Tuebingen
Classification: Uncertain significance. Last evaluated: 2022-04-01. Review status: criteria provided, single submitter. Criteria: CeGaT Center For Human Genetics Tuebingen Variant Classification Criteria Version 2. Collection method: clinical testing. Allele origin: germline. Affected: yes. Observed: 1 variant allele.
Comment: SLC25A22: PM2